The following is an entry in ClinVar:

ClinVar aggregate classification (germline): Benign (1 of 4 stars; one submission).

Allele frequency attached by ClinVar (database versions not stated): 1000 Genomes Project 0.11162; 1000 Genomes Project 30x 0.11493; gnomAD 0.12585 and 0.12692; TOPMed 0.12842.
gnomAD v4.1: 19,058 of 150,292 alleles (13%); highest among the groups gnomAD compares: Admixed American, 17%; 1,389 homozygotes.

Submission:

GeneDx
Classification: Benign. Last evaluated: 2018-06-14. Review status: criteria provided, single submitter. Criteria: GeneDx Variant Classification (06012015). Collection method: clinical testing. Allele origin: germline. Affected: yes.
Comment: This variant is considered likely benign or benign based on one or more of the following criteria: it is a conservative change, it occurs at a poorly conserved position in the protein, it is predicted to be benign by multiple in silico algorithms, and/or has population frequency not consistent with disease.

NM_182916.3(TRNT1):c.342+263A>G

Gene: TRNT1 (tRNA nucleotidyl transferase 1; plus strand). Cytogenetic location: 3p26.2.
Variant type: single nucleotide variant.
Coding change: c.342+263A>G on transcript NM_182916.3 (MANE Select); 263 bases into the intron after coding-DNA position 342, A replaced by G.
Molecular consequence: intron variant.
Genome position (GRCh38, 1-based): chr3:3,137,716, A>G. VCF-style: chr3-3137716-A-G. GRCh37 (hg19) VCF-style: chr3-3179400-A-G.
Other names: c.342+263A>G (NM_001367321.1, NM_001367323.1, NM_001367322.1 and 1 more transcripts).
Identifiers: ClinVar variation 671437 (VCV000671437.1), dbSNP rs4685607, ClinGen allele CA11591256.